The following is an entry in ClinVar:

ClinVar aggregate classification (germline): Uncertain significance (1 of 4 stars; one submission).

Conditions:
Craniofaciocardiohepatic syndrome. Identifiers: MedGen C6012720, MONDO:0978295, OMIM 621192.

Submission:

3billion
Classification: Uncertain significance for Craniofaciocardiohepatic syndrome. Last evaluated: 2025-12-08. Review status: criteria provided, single submitter. Criteria: ACMG Guidelines, 2015. Collection method: clinical testing. Allele origin: germline. Affected: yes.
Comment: The variant is not observed in the gnomAD v4.1.0 dataset. Predicted Consequence/Location: Missense variant. Missense changes are a common disease-causing mechanism. In silico tool predictions suggest damaging effect of the variant on gene or gene product [3Cnet: 0.90 (> 0.75, sensitivity 0.96 and precision 0.92)]. Therefore, this variant is classified as VUS according to the recommendation of ACMG/AMP guideline.

NM_130847.3(AMOTL1):c.923G>A (p.Gly308Asp)

Gene: AMOTL1 (angiomotin like 1; plus strand). Cytogenetic location: 11q21.
Variant type: single nucleotide variant.
Coding change: c.923G>A on transcript NM_130847.3 (MANE Select); coding-DNA position 923, G replaced by A.
Protein change: p.Gly308Asp; replaces glycine 308 with aspartic acid.
Molecular consequence: missense variant.
Genome position (GRCh38, 1-based): chr11:94,800,113, G>A. VCF-style: chr11-94800113-G-A. GRCh37 (hg19) VCF-style: chr11-94533279-G-A.
Other names: c.773G>A, p.Gly258Asp (NM_001301007.2); short protein forms G258D, G308D.
Identifiers: ClinVar variation 4854223 (VCV004854223.1).
Genomic context (GRCh38, chr11:94,800,113, plus strand): 5'-TCAAAGTAGGAGGGGGGCCCTCCCCTGCCCAGCCTGCAGGTAAAGTGCTGGACCCTCGGG[G>A]TCCTCCACCTGAGTACCCCTTCAAGACCAAGCAAATGATGTCCCCAGTCAGCAAGACCCA-3'
Protein context (NP_570899.1, residues 298-318): QPAGKVLDPR[Gly308Asp]PPPEYPFKTK